The following is an entry in ClinVar:

NM_000429.3(MAT1A):c.303C>G (p.Phe101Leu)

Gene: MAT1A (methionine adenosyltransferase 1A; minus strand). Cytogenetic location: 10q22.3.
Variant type: single nucleotide variant.
Coding change: c.303C>G on transcript NM_000429.3 (MANE Select); coding-DNA position 303, C replaced by G.
Protein change: p.Phe101Leu; replaces phenylalanine 101 with leucine.
Molecular consequence: missense variant.
Genome position (GRCh38, 1-based): chr10:80,280,782, G>C on the plus strand (C>G on the coding strand, the complement: MAT1A is on the minus strand). VCF-style: chr10-80280782-G-C. GRCh37 (hg19) VCF-style: chr10-82040538-G-C.
Other names: short protein forms F101L.
Identifiers: ClinVar variation 2997629 (VCV002997629.3), dbSNP rs1317106884, ClinGen allele CA377363154.

ClinVar aggregate classification (germline): Uncertain significance (1 of 4 stars; one submission).

Conditions:
Hepatic methionine adenosyltransferase deficiency. Also called: Deficiency of methionine adenosyltransferase; Isolated Persistent Hypermethioninemia; MAT I/III DEFICIENCY; Methionine adenosyltransferase deficiency. Identifiers: Orphanet 168598, MedGen C0268621, MeSH C564683, MONDO:0009607, OMIM 250850.

Submission:

Labcorp Genetics (formerly Invitae), Labcorp
Classification: Uncertain significance for Hepatic methionine adenosyltransferase deficiency. Last evaluated: 2024-05-07. Review status: criteria provided, single submitter. Criteria: Invitae Variant Classification Sherloc (09022015). Collection method: clinical testing. Allele origin: germline.
Comment: This sequence change replaces phenylalanine, which is neutral and non-polar, with leucine, which is neutral and non-polar, at codon 101 of the MAT1A protein (p.Phe101Leu). This variant is not present in population databases (gnomAD no frequency). This variant has not been reported in the literature in individuals affected with MAT1A-related conditions. Advanced modeling of protein sequence and biophysical properties (such as structural, functional, and spatial information, amino acid conservation, physicochemical variation, residue mobility, and thermodynamic stability) performed at Invitae indicates that this missense variant is not expected to disrupt MAT1A protein function with a negative predictive value of 80%. In summary, the available evidence is currently insufficient to determine the role of this variant in disease. Therefore, it has been classified as a Variant of Uncertain Significance.